The following is an entry in ClinVar:

ClinVar aggregate classification (germline): Uncertain significance. Review status: criteria provided, multiple submitters, no conflicts (2 of 4 stars). 2 submissions from 2 submitters: Uncertain significance (2). Last evaluated 2024-03-01.

Allele frequency attached by ClinVar (database versions not stated): gnomAD exomes 0.00001; gnomAD 0.00003; TOPMed 0.00005; ExAC 0.00006.
gnomAD v4.1: 23 of 1,552,346 alleles (0.0015%); highest among the groups gnomAD compares: African/African-American, 0.0082%; no homozygotes.

Submissions (2):

Labcorp Genetics (formerly Invitae), Labcorp
Classification: Uncertain significance. Last evaluated: 2024-03-01. Review status: criteria provided, single submitter. Criteria: Invitae Variant Classification Sherloc (09022015). Collection method: clinical testing. Allele origin: germline.
Comment: This sequence change replaces arginine, which is basic and polar, with cysteine, which is neutral and slightly polar, at codon 1358 of the RUSC2 protein (p.Arg1358Cys). This variant is present in population databases (rs766414451, gnomAD 0.02%). This variant has not been reported in the literature in individuals affected with RUSC2-related conditions. ClinVar contains an entry for this variant (Variation ID: 2181075). Algorithms developed to predict the effect of missense changes on protein structure and function output the following: SIFT: "Not Available"; PolyPhen-2: "Benign"; Align-GVGD: "Not Available". The cysteine amino acid residue is found in multiple mammalian species, which suggests that this missense change does not adversely affect protein function. In summary, the available evidence is currently insufficient to determine the role of this variant in disease. Therefore, it has been classified as a Variant of Uncertain Significance.

Ambry Genetics
Classification: Uncertain significance. Last evaluated: 2021-12-21. Review status: criteria provided, single submitter. Criteria: Ambry Variant Classification Scheme 2023. Collection method: clinical testing. Allele origin: germline.

NM_014806.5(RUSC2):c.4072C>T (p.Arg1358Cys)

Gene: RUSC2 (RUN and SH3 domain containing 2; plus strand). Cytogenetic location: 9p13.3.
Variant type: single nucleotide variant.
Coding change: c.4072C>T on transcript NM_014806.5 (MANE Select); coding-DNA position 4072, C replaced by T.
Protein change: p.Arg1358Cys; replaces arginine 1358 with cysteine.
Molecular consequence: missense variant. On other transcripts: non-coding transcript variant (1).
Genome position (GRCh38, 1-based): chr9:35,560,712, C>T. VCF-style: chr9-35560712-C-T. GRCh37 (hg19) VCF-style: chr9-35560709-C-T.
Other names: c.4072C>T, p.Arg1358Cys (NM_001135999.2); c.1438C>T, p.Arg480Cys (NM_001330740.2); c.4072C>T (NM_001135999.1); short protein forms R480C, R1358C.
Identifiers: ClinVar variation 2181075 (VCV002181075.3), dbSNP rs766414451, ClinGen allele CA5044289.